The following is an entry in ClinVar:

NM_005720.4(ARPC1B):c.197G>A (p.Arg66His)

Gene: ARPC1B (actin related protein 2/3 complex subunit 1B; plus strand). Cytogenetic location: 7q22.1.
Variant type: single nucleotide variant.
Coding change: c.197G>A on transcript NM_005720.4 (MANE Select); coding-DNA position 197, G replaced by A.
Protein change: p.Arg66His; replaces arginine 66 with histidine.
Molecular consequence: missense variant.
Genome position (GRCh38, 1-based): chr7:99,388,066, G>A. VCF-style: chr7-99388066-G-A. GRCh37 (hg19) VCF-style: chr7-98985689-G-A.
Other names: p.Arg66His; short protein forms R66H.
Identifiers: ClinVar variation 2420727 (VCV002420727.6), dbSNP rs201941754, ClinGen allele CA4363949.

ClinVar aggregate classification (germline): Uncertain significance. Review status: criteria provided, multiple submitters, no conflicts (2 of 4 stars). 2 submissions from 2 submitters: Uncertain significance (2). Last evaluated 2024-05-29.

Allele frequency attached by ClinVar (database versions not stated): ExAC 0.00001; TOPMed 0.00001; gnomAD 0.00002.
gnomAD v4.1: 12 of 1,611,176 alleles (0.00074%); highest among the groups gnomAD compares: Middle Eastern, 0.016%; no homozygotes.

Submissions (2):

Mayo Clinic Laboratories, Mayo Clinic
Classification: Uncertain significance. Last evaluated: 2024-05-29. Review status: criteria provided, single submitter. Criteria: ACMG Guidelines, 2015. Collection method: clinical testing. Allele origin: germline. Observed: 1 variant allele.

Labcorp Genetics (formerly Invitae), Labcorp
Classification: Uncertain significance. Last evaluated: 2023-08-17. Review status: criteria provided, single submitter. Criteria: Invitae Variant Classification Sherloc (09022015). Collection method: clinical testing. Allele origin: germline.
Comment: This sequence change replaces arginine, which is basic and polar, with histidine, which is basic and polar, at codon 66 of the ARPC1B protein (p.Arg66His). This variant is present in population databases (rs201941754, gnomAD 0.002%). This variant has not been reported in the literature in individuals affected with ARPC1B-related conditions. ClinVar contains an entry for this variant (Variation ID: 2420727). Advanced modeling of protein sequence and biophysical properties (such as structural, functional, and spatial information, amino acid conservation, physicochemical variation, residue mobility, and thermodynamic stability) performed at Invitae indicates that this missense variant is expected to disrupt ARPC1B protein function. In summary, the available evidence is currently insufficient to determine the role of this variant in disease. Therefore, it has been classified as a Variant of Uncertain Significance.